The following is an entry in ClinVar:

NC_000002.11:g.(?_31751246)_(31805989_?)dup

Gene: SRD5A2 (steroid 5 alpha-reductase 2; minus strand). Cytogenetic location: 2p23.1.
Variant type: Duplication.
Identifiers: ClinVar variation 833383 (VCV000833383.2).

ClinVar aggregate classification (germline): Uncertain significance (1 of 4 stars; one submission).

Conditions:
3-Oxo-5 alpha-steroid delta 4-dehydrogenase deficiency (PPSH). Also called: FAMILIAL INCOMPLETE MALE PSEUDOHERMAPHRODITISM, TYPE 2; MALE PSEUDOHERMAPHRODITISM DUE TO 5-ALPHA-REDUCTASE DEFICIENCY; 46,XY disorder of sex development due to 5-alpha-reductase 2 deficiency; PSEUDOVAGINAL PERINEOSCROTAL HYPOSPADIAS. Identifiers: Orphanet 753, MedGen C0268297, MONDO:0009923, OMIM 264600. Disease mechanism: loss of function.

Submission:

Labcorp Genetics (formerly Invitae), Labcorp
Classification: Uncertain significance for 3-Oxo-5 alpha-steroid delta 4-dehydrogenase deficiency. Last evaluated: 2019-04-17. Review status: criteria provided, single submitter. Criteria: Invitae Variant Classification Sherloc (09022015). Collection method: clinical testing. Allele origin: germline.
Comment: This variant results in a copy number gain of the genomic region encompassing the full coding sequence of the SRD5A2 gene. The boundaries of this event are unknown as they extend beyond the assayed region for this gene and therefore may encompass additional genes. As the precise location of this event is unknown, it may be in tandem or it may be located elsewhere in the genome. A similar duplication encompassing all of SRD5A2 and part of an adjacent gene has been observed in an individual affected with gonadal dysgenesis, however a second variant in SRD5A2 was not reported (PMID: 18384427). Experimental studies are not available for this variant, and the functional significance of a copy number gain of this gene is currently unknown. In summary, the available evidence is currently insufficient to determine the role of this variant in disease. Therefore, it has been classified as a Variant of Uncertain Significance.

Literature cited by the submitters: PubMed 18384427.